The following is an entry in ClinVar:

NM_001018115.3(FANCD2):c.195G>C (p.Gln65His)

Genes: FANCD2 (FA complementation group D2; plus strand), LOC107303338 (3p25 FANCD2 Alu-mediated recombination region; plus strand). Cytogenetic location: 3p25.3.
Variant type: single nucleotide variant.
Coding change: c.195G>C on transcript NM_001018115.3 (MANE Select); coding-DNA position 195, G replaced by C.
Protein change: p.Gln65His; replaces glutamine 65 with histidine.
Molecular consequence: missense variant.
Genome position (GRCh38, 1-based): chr3:10,032,962, G>C. VCF-style: chr3-10032962-G-C. GRCh37 (hg19) VCF-style: chr3-10074646-G-C.
Other names: NP_001018125.1:p.Gln65His; c.195G>C, p.Gln65His (NM_001319984.2, NM_001374253.1, NM_001374254.1 and 2 more transcripts); short protein forms Q65H.
Identifiers: ClinVar variation 134319 (VCV000134319.46), dbSNP rs36084488, ClinGen allele CA159468.

ClinVar aggregate classification (germline): Benign/Likely benign. Review status: criteria provided, multiple submitters, no conflicts (2 of 4 stars). 12 submissions from 12 submitters: Benign (8); Likely benign (3). 1 of the submissions does not count toward it. Last evaluated 2026-06-01.

Conditions:
Hereditary cancer-predisposing syndrome. Also called: Tumor predisposition; Hereditary neoplastic syndrome; Hereditary Cancer Syndrome; Neoplastic Syndromes, Hereditary. Identifiers: Orphanet 140162, MedGen C0027672, MeSH D009386, MONDO:0015356.
Hereditary breast ovarian cancer syndrome. Also called: Hereditary breast and ovarian cancer; Hereditary breast and/or ovarian cancer syndrome; BRCA1- and BRCA2-Associated Hereditary Breast and Ovarian Cancer; Hereditary breast and ovarian cancer syndrome (HBOC); Hereditary breast and ovarian cancer syndrome; Breast and ovarian cancer. Identifiers: Orphanet 145, MedGen C0677776, MeSH D061325, MONDO:0003582. Disease mechanism: loss of function.
Fanconi anemia (FA). Also called: Fanconi's anemia. Identifiers: Orphanet 84, MedGen C0015625, MeSH D005199, MONDO:0019391.
Fanconi anemia complementation group D2. Also called: FANCD2-Related Fanconi Anemia; FANCONI PANCYTOPENIA, TYPE 4; FANCONI ANEMIA, COMPLEMENTATION GROUP D. Identifiers: Orphanet 84, MedGen C3160738, MONDO:0009214, OMIM 227646.

Allele frequency attached by ClinVar (database versions not stated): gnomAD 0.00704 and 0.00738; 1000 Genomes Project 0.00978; 1000 Genomes Project 30x 0.01046; TOPMed 0.00810; ESP Exome Variant Server 0.00708.
gnomAD v4.1: 2,902 of 1,575,196 alleles (0.18%); highest among the groups gnomAD compares: African/African-American, 2.2%; 31 homozygotes.

Submissions (12):

CeGaT Center for Human Genetics Tuebingen
Classification: Benign. Last evaluated: 2026-06-01. Review status: criteria provided, single submitter. Criteria: CeGaT Center For Human Genetics Tuebingen Variant Classification Criteria Version 2. Collection method: clinical testing. Allele origin: germline. Affected: yes. Observed: 13 variant alleles.
Comment: FANCD2: BP4, BS1, BS2

Labcorp Genetics (formerly Invitae), Labcorp
Classification: Benign for Fanconi anemia. Last evaluated: 2026-02-02. Review status: criteria provided, single submitter. Criteria: Invitae Variant Classification Sherloc (09022015). Collection method: clinical testing. Allele origin: germline.

Molecular Diagnostics Laboratory, Catalan Institute of Oncology
Classification: Benign for Hereditary cancer-predisposing syndrome. Last evaluated: 2024-11-27. Review status: criteria provided, single submitter. Criteria: ACMG Guidelines, 2015. Collection method: clinical testing. Allele origin: germline.
Comment: BA1, BS2_Supporting, BP4_Moderate c.195G>C, located in exon 3 of the FANCD2 gene, is predicted to result in the substitution of glutamine by histidine at codon 65, p.(Gln65His). The variant allele was found in 549/23206 alleles, with a filtering allele frequency of 2.1% at 99% confidence, within the African population in the gnomAD v2.1.1 database (non-cancer data set) (BA1). The SpliceAI algorithm predicts no significant impact on splicing. The REVEL meta-predictor score for this variant (0.181) suggests that it does not affect the protein function according Pejaver 2022 thresholds (PMID: 36413997) (BP4_Moderate). To our knowledge, neither relevant clinical data nor well-established functional studies have been reported for this variant. It has been observed in homozygous state in multiple general population individuals (BS2_Supporting). This variant has been reported in the ClinVar database (2x benign, 7x likely benign) and in LOVD (1x likely benign, 1x benign). Based on currently available information, the variant c.195G>C should be considered a benign variant, according to ACMG/AMP classification guidelines.

Blueprint Genetics
Classification: Likely benign. Last evaluated: 2024-11-25. Review status: criteria provided, single submitter. Criteria: ACMG Guidelines, 2015. Collection method: clinical testing. Allele origin: germline.

National Health Laboratory Service, Universitas Academic Hospital and University of the Free State
Classification: Benign for Hereditary breast ovarian cancer syndrome. Last evaluated: 2022-04-19. Review status: criteria provided, single submitter. Criteria: ACMG Guidelines, 2015. Collection method: clinical testing. Allele origin: germline. Affected: yes. Observed: 8 variant alleles.

Women's Health and Genetics/Laboratory Corporation of America, LabCorp
Classification: Likely benign. Last evaluated: 2021-12-10. Review status: criteria provided, single submitter. Criteria: LabCorp Variant Classification Summary - May 2015. Collection method: clinical testing. Allele origin: germline.

Genetic Services Laboratory, University of Chicago
Classification: Benign. Last evaluated: 2021-01-07. Review status: criteria provided, single submitter. Criteria: ACMG Guidelines, 2015. Collection method: clinical testing. Allele origin: germline. Affected: no.

Sema4
Classification: Benign for Fanconi anemia. Last evaluated: 2020-10-16. Review status: criteria provided, single submitter. Criteria: Sema4 Curation Guidelines. Collection method: curation. Allele origin: germline.

Illumina Laboratory Services, Illumina
Classification: Benign for Fanconi anemia complementation group D2. Last evaluated: 2018-01-13. Review status: criteria provided, single submitter. Criteria: ICSL Variant Classification Criteria 13 December 2019. Collection method: clinical testing. Allele origin: germline.
Comment: This variant was observed in the ICSL laboratory as part of a predisposition screen in an ostensibly healthy population. It had not been previously curated by ICSL or reported in the Human Gene Mutation Database (HGMD: prior to June 1st, 2018), and was therefore a candidate for classification through an automated scoring system. Utilizing variant allele frequency, disease prevalence and penetrance estimates, and inheritance mode, an automated score was calculated to assess if this variant is too frequent to cause the disease. Based on the score and internal cut-off values, a variant classified as benign is not then subjected to further curation. The score for this variant resulted in a classification of benign for this disease.

Center for Pediatric Genomic Medicine, Children's Mercy Hospital and Clinics
Classification: Benign. Last evaluated: 2017-01-04. Review status: criteria provided, single submitter. Criteria: ACMG Guidelines, 2015. Collection method: clinical testing. Allele origin: germline.

Breakthrough Genomics
Classification: Likely benign. Review status: criteria provided, single submitter. Criteria: ACMG Guidelines, 2015. Collection method: not provided. Allele origin: germline. Inheritance: Autosomal recessive inheritance. Affected: yes.

ITMI
No classification provided. Condition: AllHighlyPenetrant. Last evaluated: 2013-09-19. Review status: no classification provided. Collection method: reference population. Allele origin: germline. Not counted in ClinVar's aggregate classification.
Comment: Please see associated publication for description of ethnicities

Literature cited by the submitters: PubMed 24728327 (cited by ITMI).